The following is an entry in ClinVar:

ClinVar aggregate classification (germline): Uncertain significance (1 of 4 stars; one submission).

Conditions:
Symmetrical dyschromatosis of extremities (DSH). Also called: DYSCHROMATOSIS SYMMETRICA HEREDITARIA 1; RETICULATE ACROPIGMENTATION OF DOHI; SYMMETRIC DYSCHROMATOSIS OF THE EXTREMITIES; Dyschromatosis symmetrica hereditaria. Identifiers: Orphanet 41, MedGen C0406775, MONDO:0007483, OMIM 127400.
Aicardi-Goutieres syndrome 6 (AGS6). Identifiers: Orphanet 51, MedGen C3539013, MONDO:0014007, OMIM 615010.

Submission:

Labcorp Genetics (formerly Invitae), Labcorp
Classification: Uncertain significance for Aicardi-Goutieres syndrome 6; Symmetrical dyschromatosis of extremities. Last evaluated: 2024-06-07. Review status: criteria provided, single submitter. Criteria: Invitae Variant Classification Sherloc (09022015). Collection method: clinical testing. Allele origin: germline.
Comment: This sequence change replaces methionine, which is neutral and non-polar, with valine, which is neutral and non-polar, at codon 708 of the ADAR protein (p.Met708Val). This variant is present in population databases (rs548493468, gnomAD 0.006%). This variant has not been reported in the literature in individuals affected with ADAR-related conditions. Advanced modeling of protein sequence and biophysical properties (such as structural, functional, and spatial information, amino acid conservation, physicochemical variation, residue mobility, and thermodynamic stability) performed at Invitae indicates that this missense variant is not expected to disrupt ADAR protein function with a negative predictive value of 80%. In summary, the available evidence is currently insufficient to determine the role of this variant in disease. Therefore, it has been classified as a Variant of Uncertain Significance.

NM_001111.5(ADAR):c.2122A>G (p.Met708Val)

Gene: ADAR (adenosine deaminase RNA specific; minus strand). Cytogenetic location: 1q21.3.
Variant type: single nucleotide variant.
Coding change: c.2122A>G on transcript NM_001111.5 (MANE Select); coding-DNA position 2122, A replaced by G.
Protein change: p.Met708Val; replaces methionine 708 with valine.
Molecular consequence: missense variant. On other transcripts: intron variant (1).
Genome position (GRCh38, 1-based): chr1:154,596,953, T>C on the plus strand (A>G on the coding strand, the complement: ADAR is on the minus strand). VCF-style: chr1-154596953-T-C. GRCh37 (hg19) VCF-style: chr1-154569429-T-C.
Other names: c.1237A>G, p.Met413Val (NM_001025107.3, NM_001193495.2, NM_001365046.1 and 3 more transcripts); c.2149A>G, p.Met717Val (NM_001365045.1); c.2122A>G, p.Met708Val (NM_015840.4); c.2080-15A>G (NM_015841.4); short protein forms M413V, M708V, M717V.
Identifiers: ClinVar variation 3752705 (VCV003752705.2).